The following is an entry in ClinVar:

NM_001354604.2(MITF):c.1513C>T (p.Pro505Ser)

Gene: MITF (melanocyte inducing transcription factor; plus strand). Cytogenetic location: 3p13.
Variant type: single nucleotide variant.
Coding change: c.1513C>T on transcript NM_001354604.2 (MANE Select); coding-DNA position 1513, C replaced by T.
Protein change: p.Pro505Ser; replaces proline 505 with serine.
Molecular consequence: missense variant.
Genome position (GRCh38, 1-based): chr3:69,965,180, C>T. VCF-style: chr3-69965180-C-T. GRCh37 (hg19) VCF-style: chr3-70014331-C-T.
Other names: c.1192C>T, p.Pro398Ser (NM_000248.4); c.1339C>T, p.Pro447Ser (NM_001184967.2, NM_001354608.2); c.1510C>T, p.Pro504Ser (NM_001354605.2); c.1492C>T, p.Pro498Ser (NM_001354606.2, NM_006722.3); c.1444C>T, p.Pro482Ser (NM_001354607.2); c.1174C>T, p.Pro392Ser (NM_198158.3); c.1495C>T, p.Pro499Ser (NM_198159.3); c.1447C>T, p.Pro483Ser (NM_198177.3); and 1 more; short protein forms P336S, P499S, P504S, P505S, P398S, P447S, P483S, P498S.
Identifiers: ClinVar variation 2113344 (VCV002113344.4), dbSNP rs1303929987, ClinGen allele CA16040406.

ClinVar aggregate classification (germline): Uncertain significance (1 of 4 stars; one submission).

Conditions:
Tietz syndrome (TADS). Also called: HYPOPIGMENTATION/DEAFNESS OF TIETZ; TIETZ ALBINISM-DEAFNESS SYNDROME; ALBINISM-DEAFNESS OF TIETZ. Identifiers: Orphanet 42665, MedGen C0391816, MONDO:0007077, OMIM 103500.
Waardenburg syndrome type 2A (WS2A). Also called: WAARDENBURG SYNDROME WITHOUT DYSTOPIA CANTHORUM. Identifiers: Orphanet 3440, MedGen C1860339, MONDO:0008671, OMIM 193510.
Melanoma, cutaneous malignant, susceptibility to, 8. Also called: MELANOMA AND RENAL CELL CARCINOMA, SUSCEPTIBILITY TO; Cutaneous malignant melanoma 8. Identifiers: Orphanet 293822, MedGen C3152204, MONDO:0013759, OMIM 614456.

Allele frequency attached by ClinVar (database versions not stated): gnomAD exomes below 0.00001; gnomAD 0.00001; TOPMed 0.00002.
gnomAD v4.1: 8 of 1,613,612 alleles (0.0005%); highest among the groups gnomAD compares: African/African-American, 0.0013%; no homozygotes.

Submission:

Labcorp Genetics (formerly Invitae), Labcorp
Classification: Uncertain significance for Melanoma, cutaneous malignant, susceptibility to, 8; Waardenburg syndrome type 2A; Tietz syndrome. Last evaluated: 2026-01-12. Review status: criteria provided, single submitter. Criteria: Invitae Variant Classification Sherloc (09022015). Collection method: clinical testing. Allele origin: germline.
Comment: This sequence change replaces proline, which is neutral and non-polar, with serine, which is neutral and polar, at codon 398 of the MITF protein (p.Pro398Ser). This variant is present in population databases (no rsID available, gnomAD 0.0009%). This variant has not been reported in the literature in individuals affected with MITF-related conditions. ClinVar contains an entry for this variant (Variation ID: 2113344). Invitae Evidence Modeling of protein sequence and biophysical properties (such as structural, functional, and spatial information, amino acid conservation, physicochemical variation, residue mobility, and thermodynamic stability) indicates that this missense variant is not expected to disrupt MITF protein function with a negative predictive value of 80%. In summary, the available evidence is currently insufficient to determine the role of this variant in disease. Therefore, it has been classified as a Variant of Uncertain Significance.